The following is an entry in ClinVar:

NM_001270974.2(HYDIN):c.5846C>T (p.Ser1949Leu)

Gene: HYDIN (HYDIN axonemal central pair apparatus protein; minus strand). Cytogenetic location: 16q22.2.
Variant type: single nucleotide variant.
Coding change: c.5846C>T on transcript NM_001270974.2 (MANE Select); coding-DNA position 5846, C replaced by T.
Protein change: p.Ser1949Leu; replaces serine 1949 with leucine.
Molecular consequence: missense variant.
Genome position (GRCh38, 1-based): chr16:70,962,081, G>A on the plus strand (C>T on the coding strand, the complement: HYDIN is on the minus strand). VCF-style: chr16-70962081-G-A. GRCh37 (hg19) VCF-style: chr16-70995984-G-A.
Other names: short protein forms S1949L.
Identifiers: ClinVar variation 2646764 (VCV002646764.24), dbSNP rs566088656, ClinGen allele CA8150454.

ClinVar aggregate classification (germline): Likely benign (1 of 4 stars; one submission).

Allele frequency attached by ClinVar (database versions not stated): ExAC 0.00003; 1000 Genomes Project 30x 0.00016; 1000 Genomes Project 0.00020.

Submission:

CeGaT Center for Human Genetics Tuebingen
Classification: Likely benign. Last evaluated: 2022-11-01. Review status: criteria provided, single submitter. Criteria: CeGaT Center For Human Genetics Tuebingen Variant Classification Criteria Version 2. Collection method: clinical testing. Allele origin: germline. Affected: yes. Observed: 1 variant allele.
Comment: HYDIN: BP4